The following is an entry in ClinVar:

NM_001371928.1(AHDC1):c.1139C>G (p.Pro380Arg)

Gene: AHDC1 (AT-hook DNA binding motif containing 1; minus strand). Cytogenetic location: 1p36.11.
Variant type: single nucleotide variant.
Coding change: c.1139C>G on transcript NM_001371928.1 (MANE Select); coding-DNA position 1139, C replaced by G.
Protein change: p.Pro380Arg; replaces proline 380 with arginine.
Molecular consequence: missense variant.
Genome position (GRCh38, 1-based): chr1:27,550,977, G>C on the plus strand (C>G on the coding strand, the complement: AHDC1 is on the minus strand). VCF-style: chr1-27550977-G-C. GRCh37 (hg19) VCF-style: chr1-27877488-G-C.
Other names: c.1139C>G, p.Pro380Arg (NM_001029882.3); short protein forms P380R.
Identifiers: ClinVar variation 1952004 (VCV001952004.5), dbSNP rs1300711227, ClinGen allele CA339235014.

ClinVar aggregate classification (germline): Uncertain significance (1 of 4 stars; one submission).

Allele frequency attached by ClinVar (database versions not stated): TOPMed 0.00001.
gnomAD v4.1: 2 of 1,591,440 alleles (0.00013%); highest among the groups gnomAD compares: Admixed American, 0.0034%; no homozygotes.

Submission:

Labcorp Genetics (formerly Invitae), Labcorp
Classification: Uncertain significance. Last evaluated: 2024-12-15. Review status: criteria provided, single submitter. Criteria: Invitae Variant Classification Sherloc (09022015). Collection method: clinical testing. Allele origin: germline.
Comment: This sequence change replaces proline, which is neutral and non-polar, with arginine, which is basic and polar, at codon 380 of the AHDC1 protein (p.Pro380Arg). This variant is present in population databases (no rsID available, gnomAD 0.006%). This variant has not been reported in the literature in individuals affected with AHDC1-related conditions. ClinVar contains an entry for this variant (Variation ID: 1952004). An algorithm developed to predict the effect of missense changes on protein structure and function (PolyPhen-2) suggests that this variant is likely to be disruptive. In summary, the available evidence is currently insufficient to determine the role of this variant in disease. Therefore, it has been classified as a Variant of Uncertain Significance.